The following is an entry in ClinVar:

NM_002230.4(JUP):c.1774C>G (p.Leu592Val)

Gene: JUP (junction plakoglobin; minus strand). Cytogenetic location: 17q21.2.
Variant type: single nucleotide variant.
Coding change: c.1774C>G on transcript NM_002230.4 (MANE Select); coding-DNA position 1774, C replaced by G.
Protein change: p.Leu592Val; replaces leucine 592 with valine.
Molecular consequence: missense variant.
Genome position (GRCh38, 1-based): chr17:41,757,784, G>C on the plus strand (C>G on the coding strand, the complement: JUP is on the minus strand). VCF-style: chr17-41757784-G-C. GRCh37 (hg19) VCF-style: chr17-39914036-G-C.
Other names: c.1774C>G, p.Leu592Val (NM_001352773.2, NM_001352774.2, NM_001352775.2 and 3 more transcripts); short protein forms L592V.
Identifiers: ClinVar variation 1779846 (VCV001779846.7), dbSNP rs2544039197, ClinGen allele CA399492664.

ClinVar aggregate classification (germline): Uncertain significance. Review status: criteria provided, multiple submitters, no conflicts (2 of 4 stars). 2 submissions from 2 submitters: Uncertain significance (2). Last evaluated 2022-04-23.

Conditions:
Naxos disease (NXD). Also called: KERATOSIS PALMOPLANTARIS WITH ARRHYTHMOGENIC CARDIOMYOPATHY; MAL DE NAXOS; PALMOPLANTAR KERATODERMA WITH ARRHYTHMOGENIC RIGHT VENTRICULAR CARDIOMYOPATHY AND WOOLLY HAIR; WOOLLY HAIR, PALMOPLANTAR KERATODERMA, AND CARDIAC ABNORMALITIES; CARDIOMYOPATHY, ARRHYTHMOGENIC RIGHT VENTRICULAR, WITH SKIN, HAIR, AND NAIL ABNORMALITIES. Identifiers: Orphanet 34217, MedGen C1832600, MONDO:0011017, OMIM 601214.
Arrhythmogenic right ventricular dysplasia 12. Also called: ARRHYTHMOGENIC RIGHT VENTRICULAR DYSPLASIA, FAMILIAL, 12. Identifiers: MedGen C1969081, MONDO:0012684, OMIM 611528.
Cardiovascular phenotype. Identifiers: MedGen CN230736.

Submissions (2):

Ambry Genetics
Classification: Uncertain significance for Cardiovascular phenotype. Last evaluated: 2022-04-23. Review status: criteria provided, single submitter. Criteria: Ambry Variant Classification Scheme 2023. Collection method: clinical testing. Allele origin: germline.
Comment: The p.L592V variant (also known as c.1774C>G) is located in coding exon 10 of the JUP gene. The leucine at codon 592 is replaced by valine, an amino acid with highly similar properties. This change occurs in the first base pair of coding exon 10. This amino acid position is conserved. In addition, the in silico prediction for this alteration is inconclusive. Since supporting evidence is limited at this time, the clinical significance of this alteration remains unclear.

Labcorp Genetics (formerly Invitae), Labcorp
Classification: Uncertain significance for Arrhythmogenic right ventricular dysplasia 12; Naxos disease. Last evaluated: 2022-04-16. Review status: criteria provided, single submitter. Criteria: Invitae Variant Classification Sherloc (09022015). Collection method: clinical testing. Allele origin: germline.
Comment: In summary, the available evidence is currently insufficient to determine the role of this variant in disease. Therefore, it has been classified as a Variant of Uncertain Significance. Algorithms developed to predict the effect of missense changes on protein structure and function are either unavailable or do not agree on the potential impact of this missense change (SIFT: "Tolerated"; PolyPhen-2: "Possibly Damaging"; Align-GVGD: "Class C0"). This variant has not been reported in the literature in individuals affected with JUP-related conditions. This variant is not present in population databases (gnomAD no frequency). This sequence change replaces leucine, which is neutral and non-polar, with valine, which is neutral and non-polar, at codon 592 of the JUP protein (p.Leu592Val).